The following is an entry in ClinVar:

NM_144672.4(OTOA):c.1058T>C (p.Met353Thr)

Gene: OTOA (otoancorin). Cytogenetic location: 16p12.2.
Variant type: single nucleotide variant.
Coding change: c.1058T>C on transcript NM_144672.4 (MANE Select); coding-DNA position 1058, T replaced by C.
Protein change: p.Met353Thr; replaces methionine 353 with threonine.
Molecular consequence: missense variant.
Genome position (GRCh38, 1-based): chr16:21,705,246, T>C. VCF-style: chr16-21705246-T-C. GRCh37 (hg19) VCF-style: chr16-21716567-T-C.
Other names: c.821T>C, p.Met274Thr (NM_001161683.2); c.86T>C, p.Met29Thr (NM_170664.3); short protein forms M29T, M353T, M274T.
Identifiers: ClinVar variation 2536587 (VCV002536587.4), dbSNP rs746061127, ClinGen allele CA7952527.

ClinVar aggregate classification (germline): Uncertain significance. Review status: criteria provided, multiple submitters, no conflicts (2 of 4 stars). 3 submissions from 3 submitters: Uncertain significance (3). Last evaluated 2024-08-08.

Conditions:
Inborn genetic diseases. Identifiers: MedGen C0950123, MeSH D030342.

Allele frequency attached by ClinVar (database versions not stated): ExAC 0.00002; TOPMed 0.00002; gnomAD 0.00003; gnomAD exomes 0.00010.
gnomAD v4.1: 144 of 1,614,014 alleles (0.0089%); highest among the groups gnomAD compares: Non-Finnish European, 0.012%; 2 homozygotes.

Submissions (3):

Blueprint Genetics
Classification: Uncertain significance. Last evaluated: 2024-08-08. Review status: criteria provided, single submitter. Criteria: ACMG Guidelines, 2015. Collection method: clinical testing. Allele origin: germline.

GeneDx
Classification: Uncertain significance. Last evaluated: 2024-05-02. Review status: criteria provided, single submitter. Criteria: GeneDx Variant Classification Process June 2021. Collection method: clinical testing. Allele origin: germline. Affected: yes.
Comment: In silico analysis indicates that this missense variant does not alter protein structure/function; Has not been previously published as pathogenic or benign to our knowledge

Ambry Genetics
Classification: Uncertain significance for Inborn genetic diseases. Last evaluated: 2023-04-12. Review status: criteria provided, single submitter. Criteria: Ambry Variant Classification Scheme 2023. Collection method: clinical testing. Allele origin: germline.